The following is an entry in ClinVar:

ClinVar aggregate classification (germline): Uncertain significance (1 of 4 stars; one submission).

Conditions:
Duchenne muscular dystrophy (DMD). Also called: MUSCULAR DYSTROPHY, PSEUDOHYPERTROPHIC PROGRESSIVE, DUCHENNE TYPE; Duchenne Muscular Dystrophy (DMD). Identifiers: Orphanet 98896, MedGen C0013264, MONDO:0010679, OMIM 310200.

Submission:

Labcorp Genetics (formerly Invitae), Labcorp
Classification: Uncertain significance for Duchenne muscular dystrophy. Last evaluated: 2022-01-05. Review status: criteria provided, single submitter. Criteria: Invitae Variant Classification Sherloc (09022015). Collection method: clinical testing. Allele origin: germline.
Comment: This sequence change replaces threonine, which is neutral and polar, with isoleucine, which is neutral and non-polar, at codon 2130 of the DMD protein (p.Thr2130Ile). This variant is not present in population databases (gnomAD no frequency). This variant has not been reported in the literature in individuals affected with DMD-related conditions. Algorithms developed to predict the effect of missense changes on protein structure and function are either unavailable or do not agree on the potential impact of this missense change (SIFT: "Deleterious"; PolyPhen-2: "Possibly Damaging"; Align-GVGD: "Class C15"). In summary, the available evidence is currently insufficient to determine the role of this variant in disease. Therefore, it has been classified as a Variant of Uncertain Significance.

NM_004006.3(DMD):c.6389C>T (p.Thr2130Ile)

Gene: DMD (dystrophin; minus strand). Cytogenetic location: Xp21.1.
Variant type: single nucleotide variant.
Coding change: c.6389C>T on transcript NM_004006.3 (MANE Select); coding-DNA position 6389, C replaced by T.
Protein change: p.Thr2130Ile; replaces threonine 2130 with isoleucine.
Molecular consequence: missense variant.
Genome position (GRCh38, 1-based): chrX:32,216,965, G>A on the plus strand (C>T on the coding strand, the complement: DMD is on the minus strand). VCF-style: chrX-32216965-G-A. GRCh37 (hg19) VCF-style: chrX-32235082-G-A.
Other names: c.6365C>T, p.Thr2122Ile (NM_000109.4); c.6377C>T, p.Thr2126Ile (NM_004009.3); c.6020C>T, p.Thr2007Ile (NM_004010.3); c.2366C>T, p.Thr789Ile (NM_004011.4); c.2357C>T, p.Thr786Ile (NM_004012.4); short protein forms T2007I, T786I, T789I, T2122I, T2126I, T2130I.
Identifiers: ClinVar variation 2075180 (VCV002075180.1), dbSNP rs2519058281, ClinGen allele CA412660577.